The following is an entry in ClinVar:

NM_201384.3(PLEC):c.7925C>T (p.Pro2642Leu)

Gene: PLEC (plectin; minus strand). Cytogenetic location: 8q24.3.
Variant type: single nucleotide variant.
Coding change: c.7925C>T on transcript NM_201384.3 (MANE Select); coding-DNA position 7925, C replaced by T.
Protein change: p.Pro2642Leu; replaces proline 2642 with leucine.
Molecular consequence: missense variant.
Genome position (GRCh38, 1-based): chr8:143,921,896, G>A on the plus strand (C>T on the coding strand, the complement: PLEC is on the minus strand). VCF-style: chr8-143921896-G-A. GRCh37 (hg19) VCF-style: chr8-144996064-G-A.
Other names: c.7925C>T, p.Pro2642Leu (NM_201382.4); c.7937C>T, p.Pro2646Leu (NM_201383.3); c.8006C>T, p.Pro2669Leu (NM_000445.5); c.7883C>T, p.Pro2628Leu (NM_201378.4); c.7859C>T, p.Pro2620Leu (NM_201379.3); c.8336C>T, p.Pro2779Leu (NM_201380.4); c.7829C>T, p.Pro2610Leu (NM_201381.3); short protein forms P2669L, P2610L, P2628L, P2646L, P2620L, P2642L, P2779L.
Identifiers: ClinVar variation 538963 (VCV000538963.10), dbSNP rs782183501, ClinGen allele CA187612538.

ClinVar aggregate classification (germline): Uncertain significance. Review status: criteria provided, multiple submitters, no conflicts (2 of 4 stars). 3 submissions from 3 submitters: Uncertain significance (3). Last evaluated 2025-10-02.

Conditions:
Epidermolysis bullosa simplex with nail dystrophy (EBS5D). Identifiers: MedGen C4225309, MONDO:0014661, OMIM 616487.
Epidermolysis bullosa simplex 5B, with muscular dystrophy (EBS5B). Also called: EPIDERMOLYSIS BULLOSA SIMPLEX AND LIMB-GIRDLE MUSCULAR DYSTROPHY; Epidermolysis bullosa simplex with muscular dystrophy. Identifiers: Orphanet 257, MedGen C2931072, MONDO:0009181, OMIM 226670.
Epidermolysis bullosa simplex, Ogna type (EBS5A). Also called: Pidermolysis bullosa simplex 5A, Ogna type; EPIDERMOLYSIS BULLOSA SIMPLEX 5A, OGNA TYPE. Identifiers: Orphanet 79401, MedGen C0432317, MONDO:0007555, OMIM 131950.
Autosomal recessive limb-girdle muscular dystrophy type 2Q (LGMDR17). Also called: MUSCULAR DYSTROPHY, LIMB-GIRDLE, AUTOSOMAL RECESSIVE 17. Identifiers: Orphanet 254361, MedGen C3150989, MONDO:0013390, OMIM 613723.
Epidermolysis bullosa simplex 5C, with pyloric atresia (EBS5C). Also called: PLEC-Related Epidermolysis Bullosa with Pyloric Atresia; Epidermolysis bullosa simplex with pyloric atresia; PLEC1-Related Epidermolysis Bullosa with Pyloric Atresia. Identifiers: Orphanet 158684, MedGen C2677349, MONDO:0012807, OMIM 612138.

Allele frequency attached by ClinVar (database versions not stated): TOPMed 0.00004.
gnomAD v4.1: 27 of 1,600,482 alleles (0.0017%); highest among the groups gnomAD compares: Middle Eastern, 0.033%; no homozygotes.

Submissions (3):

Labcorp Genetics (formerly Invitae), Labcorp
Classification: Uncertain significance for Autosomal recessive limb-girdle muscular dystrophy type 2Q; Epidermolysis bullosa simplex, Ogna type; Epidermolysis bullosa simplex with nail dystrophy; Epidermolysis bullosa simplex 5C, with pyloric atresia; Epidermolysis bullosa simplex 5B, with muscular dystrophy. Last evaluated: 2025-10-02. Review status: criteria provided, single submitter. Criteria: Invitae Variant Classification Sherloc (09022015). Collection method: clinical testing. Allele origin: germline.
Comment: This sequence change replaces proline, which is neutral and non-polar, with leucine, which is neutral and non-polar, at codon 2669 of the PLEC protein (p.Pro2669Leu). This variant is not present in population databases (gnomAD no frequency). This variant has not been reported in the literature in individuals affected with PLEC-related conditions. ClinVar contains an entry for this variant (Variation ID: 538963). Invitae Evidence Modeling of protein sequence and biophysical properties (such as structural, functional, and spatial information, amino acid conservation, physicochemical variation, residue mobility, and thermodynamic stability) indicates that this missense variant is not expected to disrupt PLEC protein function with a negative predictive value of 80%. In summary, the available evidence is currently insufficient to determine the role of this variant in disease. Therefore, it has been classified as a Variant of Uncertain Significance.

Revvity Omics, Revvity
Classification: Uncertain significance. Last evaluated: 2024-04-03. Review status: criteria provided, single submitter. Criteria: ACMG Guidelines, 2015. Collection method: clinical testing. Allele origin: germline.

GeneDx
Classification: Uncertain significance. Last evaluated: 2019-12-24. Review status: criteria provided, single submitter. Criteria: GeneDx Variant Classification Process June 2021. Collection method: clinical testing. Allele origin: germline. Affected: yes.
Comment: Not observed at a significant frequency in large population cohorts (Lek et al., 2016); In silico analysis, which includes protein predictors and evolutionary conservation, supports that this variant does not alter protein structure/function; Has not been previously published as pathogenic or benign to our knowledge